The following is an entry in ClinVar:

ClinVar aggregate classification (germline): Uncertain significance (1 of 4 stars; one submission).

Conditions:
Deficiency of UDPglucose-hexose-1-phosphate uridylyltransferase. Also called: GALACTOSEMIA I; GALACTOSE-1-PHOSPHATE URIDYLYLTRANSFERASE DEFICIENCY; GALT deficiency; Galactosemia, classic; Transferase Deficiency Galactosemia. Identifiers: Orphanet 352, Orphanet 79239, MedGen C0268151, MONDO:0009258, OMIM 230400.

Allele frequency attached by ClinVar (database versions not stated): ExAC 0.00001; gnomAD 0.00001; TOPMed 0.00001.
gnomAD v4.1: 9 of 1,613,986 alleles (0.00056%); highest among the groups gnomAD compares: African/African-American, 0.0013%; no homozygotes.

Submission:

Labcorp Genetics (formerly Invitae), Labcorp
Classification: Uncertain significance for Deficiency of UDPglucose-hexose-1-phosphate uridylyltransferase. Last evaluated: 2022-10-03. Review status: criteria provided, single submitter. Criteria: Invitae Variant Classification Sherloc (09022015). Collection method: clinical testing. Allele origin: germline.
Comment: This sequence change affects codon 84 of the GALT mRNA. It is a 'silent' change, meaning that it does not change the encoded amino acid sequence of the GALT protein. This variant also falls at the last nucleotide of exon 2, which is part of the consensus splice site for this exon. This variant is present in population databases (rs748732979, gnomAD 0.0009%). This variant has not been reported in the literature in individuals affected with GALT-related conditions. Variants that disrupt the consensus splice site are a relatively common cause of aberrant splicing (PMID: 17576681, 9536098). Algorithms developed to predict the effect of sequence changes on RNA splicing suggest that this variant is not likely to affect RNA splicing. In summary, the available evidence is currently insufficient to determine the role of this variant in disease. Therefore, it has been classified as a Variant of Uncertain Significance.

Literature cited by the submitters: PubMed 17576681; PubMed 9536098.

NM_000155.4(GALT):c.252G>A (p.Glu84=)

Genes: GALT (galactose-1-phosphate uridylyltransferase; plus strand), LOC130001683 (ATAC-STARR-seq lymphoblastoid active region 28314; plus strand). Cytogenetic location: 9p13.3.
Variant type: single nucleotide variant.
Coding change: c.252G>A on transcript NM_000155.4 (MANE Select); coding-DNA position 252, G replaced by A.
Protein change: p.Glu84=; no amino-acid change (glutamic acid 84 retained).
Molecular consequence: synonymous variant. On other transcripts: missense variant (1).
Genome position (GRCh38, 1-based): chr9:34,647,258, G>A. VCF-style: chr9-34647258-G-A. GRCh37 (hg19) VCF-style: chr9-34647255-G-A.
Other names: c.50G>A, p.Ser17Asn (NM_001258332.2); short protein forms S17N.
Identifiers: ClinVar variation 2199285 (VCV002199285.1), dbSNP rs748732979, ClinGen allele CA5036042.